The following is an entry in ClinVar:

NM_012168.6(FBXO2):c.23-5T>G

Gene: FBXO2 (F-box protein 2; minus strand). Cytogenetic location: 1p36.22.
Variant type: single nucleotide variant.
Coding change: c.23-5T>G on transcript NM_012168.6 (MANE Select); 5 bases into the intron before coding-DNA position 23, T replaced by G.
Molecular consequence: intron variant.
Genome position (GRCh38, 1-based): chr1:11,650,839, A>C on the plus strand (T>G on the coding strand, the complement: FBXO2 is on the minus strand). VCF-style: chr1-11650839-A-C. GRCh37 (hg19) VCF-style: chr1-11710896-A-C.
Other names: NC_000001.10:g.11710896A>C.
Identifiers: ClinVar variation 3041423 (VCV003041423.3), dbSNP rs184979619, ClinGen allele CA592977.

ClinVar aggregate classification (germline): Benign (0 of 4 stars; one submission).

Conditions:
FBXO2-related disorder. Also called: FBXO2-related condition.

Allele frequency attached by ClinVar (database versions not stated): ESP Exome Variant Server 0.00439; gnomAD 0.00478; ExAC 0.00718; 1000 Genomes Project 0.00100; 1000 Genomes Project 30x 0.00156; TOPMed 0.00422.

Submissions (6):

PreventionGenetics, part of Exact Sciences
Classification: Benign for FBXO2-related condition. Last evaluated: 2019-09-10. Review status: no assertion criteria provided. Collection method: clinical testing. Allele origin: germline.
Comment: This variant is classified as benign based on ACMG/AMP sequence variant interpretation guidelines (Richards et al. 2015 PMID: 25741868, with internal and published modifications).

Dr. Peter K. Rogan Lab, Western University
No classification provided (evidence only). Condition: Thymoma. Review status: no classification provided. Collection method: in vitro. Allele origin: not applicable. Functional consequence: retained intron. Not counted in ClinVar's aggregate classification.

Dr. Peter K. Rogan Lab, Western University
No classification provided (evidence only). Condition: Thymoma. Review status: no classification provided. Collection method: in vitro. Allele origin: not applicable. Functional consequence: retained intron. Not counted in ClinVar's aggregate classification.

Dr. Peter K. Rogan Lab, Western University
No classification provided (evidence only). Condition: Malignant tumor of esophagus. Review status: no classification provided. Collection method: in vitro. Allele origin: not applicable. Functional consequence: retained intron. Not counted in ClinVar's aggregate classification.

Dr. Peter K. Rogan Lab, Western University
No classification provided (evidence only). Condition: Ovarian cancer. Review status: no classification provided. Collection method: in vitro. Allele origin: not applicable. Functional consequence: retained intron. Not counted in ClinVar's aggregate classification.

Dr. Peter K. Rogan Lab, Western University
No classification provided (evidence only). Condition: Malignant lymphoma, large B-cell, diffuse. Review status: no classification provided. Collection method: in vitro. Allele origin: not applicable. Functional consequence: retained intron. Not counted in ClinVar's aggregate classification.